The following is an entry in ClinVar:

ClinVar aggregate classification (germline): Uncertain significance. Review status: criteria provided, multiple submitters, no conflicts (2 of 4 stars). 2 submissions from 2 submitters: Uncertain significance (2). Last evaluated 2026-02-09.

Conditions:
Hereditary cancer-predisposing syndrome. Also called: Neoplastic Syndromes, Hereditary; Tumor predisposition; Hereditary neoplastic syndrome; Hereditary Cancer Syndrome. Identifiers: Orphanet 140162, MedGen C0027672, MeSH D009386, MONDO:0015356.
Hereditary breast ovarian cancer syndrome. Also called: Breast and ovarian cancer; BRCA1- and BRCA2-Associated Hereditary Breast and Ovarian Cancer; Hereditary breast and ovarian cancer; Hereditary breast and/or ovarian cancer syndrome; Hereditary breast and ovarian cancer syndrome; Hereditary breast and ovarian cancer syndrome (HBOC). Identifiers: Orphanet 145, MedGen C0677776, MeSH D061325, MONDO:0003582. Disease mechanism: loss of function.

Submissions (2):

Ambry Genetics
Classification: Uncertain significance for Hereditary cancer-predisposing syndrome. Last evaluated: 2026-02-09. Review status: criteria provided, single submitter. Criteria: Ambry Variant Classification Scheme 2023. Collection method: clinical testing. Allele origin: germline.
Comment: The c.4096+5T>A intronic variant results from a T to A substitution 5 nucleotides after coding exon 9 in the BRCA1 gene. This nucleotide position is well conserved in available vertebrate species. In silico splice site analysis for this alteration is inconclusive. Based on the available evidence, the clinical significance of this variant remains unclear.

Labcorp Genetics (formerly Invitae), Labcorp
Classification: Uncertain significance for Hereditary breast ovarian cancer syndrome. Last evaluated: 2025-10-29. Review status: criteria provided, single submitter. Criteria: Invitae Variant Classification Sherloc (09022015). Collection method: clinical testing. Allele origin: germline.
Comment: This sequence change falls in intron 10 of the BRCA1 gene. It does not directly change the encoded amino acid sequence of the BRCA1 protein. It affects a nucleotide within the consensus splice site. This variant is not present in population databases (gnomAD no frequency). This variant has not been reported in the literature in individuals affected with BRCA1-related conditions. ClinVar contains an entry for this variant (Variation ID: 462632). Variants that disrupt the consensus splice site are a relatively common cause of aberrant splicing (PMID: 17576681, 9536098). Studies have shown this variant is associated with skipping of part of exon 10 , but one or more of the resulting mRNA isoform(s) may be naturally occurring (PMID: 8972225, 11359908, 11431698, 16943438, 23239986; internal data). In summary, the available evidence is currently insufficient to determine the role of this variant in disease. Therefore, it has been classified as a Variant of Uncertain Significance.

Literature cited by the submitters: PubMed 17576681 (cited by Labcorp Genetics (formerly Invitae), Labcorp); PubMed 9536098 (cited by Labcorp Genetics (formerly Invitae), Labcorp); PubMed 8972225 (cited by Labcorp Genetics (formerly Invitae), Labcorp); PubMed 11359908 (cited by Labcorp Genetics (formerly Invitae), Labcorp); PubMed 11431698 (cited by Labcorp Genetics (formerly Invitae), Labcorp); PubMed 16943438 (cited by Labcorp Genetics (formerly Invitae), Labcorp); PubMed 23239986 (cited by Labcorp Genetics (formerly Invitae), Labcorp).

NM_007294.4(BRCA1):c.4096+5T>A

Genes: BRCA1 (BRCA1 DNA repair associated; minus strand), LOC126862571 (BRD4-independent group 4 enhancer GRCh37_chr17:41243136-41244335; plus strand). Cytogenetic location: 17q21.31.
Variant type: single nucleotide variant.
Coding change: c.4096+5T>A on transcript NM_007294.4 (MANE Select); 5 bases into the intron after coding-DNA position 4096, T replaced by A.
Molecular consequence: intron variant.
Genome position (GRCh38, 1-based): chr17:43,091,430, A>T on the plus strand (T>A on the coding strand, the complement: BRCA1 is on the minus strand). VCF-style: chr17-43091430-A-T. GRCh37 (hg19) VCF-style: chr17-41243447-A-T.
Other names: c.647-398T>A (NM_001408458.1, NM_001408469.1, NM_001408453.1 and 11 more transcripts); c.3208+5T>A (NM_001407967.1, NM_001407966.1); c.3715+5T>A (NM_001407959.1, NM_001407963.1, NM_001407960.1); c.3829+5T>A (NM_001407931.1, NM_001407932.1, NM_001407934.1 and 2 more transcripts); c.3952+5T>A (NM_001407747.1, NM_001407848.1, NM_001407839.1 and 20 more transcripts); c.3712+5T>A (NM_001407962.1); c.284-398T>A (NM_001408512.1); c.407-398T>A (NM_001408510.1); and 41 more.
Identifiers: ClinVar variation 462632 (VCV000462632.17), dbSNP rs1555586462, ClinGen allele CA658656669.